The following is an entry in ClinVar:

ClinVar aggregate classification (germline): Uncertain significance (1 of 4 stars; one submission).

Conditions:
Charcot-Marie-Tooth disease type 2R. Also called: CHARCOT-MARIE-TOOTH DISEASE, AXONAL, AUTOSOMAL RECESSIVE, TYPE 2R; Charcot-Marie-Tooth disease, axonal, type 2R; CHARCOT-MARIE-TOOTH NEUROPATHY, TYPE 2R. Identifiers: Orphanet 397968, MedGen C3809655, MONDO:0014208, OMIM 615490.

Allele frequency attached by ClinVar (database versions not stated): TOPMed below 0.00001; gnomAD exomes 0.00001.
gnomAD v4.1: 8 of 1,608,774 alleles (0.0005%); highest among the groups gnomAD compares: Middle Eastern, 0.017%; no homozygotes.

Submission:

Labcorp Genetics (formerly Invitae), Labcorp
Classification: Uncertain significance for Charcot-Marie-Tooth disease type 2R. Last evaluated: 2022-05-07. Review status: criteria provided, single submitter. Criteria: Invitae Variant Classification Sherloc (09022015). Collection method: clinical testing. Allele origin: germline.
Comment: This variant has not been reported in the literature in individuals affected with TRIM2-related conditions. This sequence change replaces arginine, which is basic and polar, with cysteine, which is neutral and slightly polar, at codon 437 of the TRIM2 protein (p.Arg437Cys). This variant is present in population databases (no rsID available, gnomAD 0.006%). Algorithms developed to predict the effect of missense changes on protein structure and function are either unavailable or do not agree on the potential impact of this missense change (SIFT: "Deleterious"; PolyPhen-2: "Probably Damaging"; Align-GVGD: "Class C0"). Algorithms developed to predict the effect of sequence changes on RNA splicing suggest that this variant may create or strengthen a splice site. In summary, the available evidence is currently insufficient to determine the role of this variant in disease. Therefore, it has been classified as a Variant of Uncertain Significance.

NM_015271.5(TRIM2):c.1390C>T (p.Arg464Cys)

Gene: TRIM2 (tripartite motif containing 2; plus strand). Cytogenetic location: 4q31.3.
Variant type: single nucleotide variant.
Coding change: c.1390C>T on transcript NM_015271.5 (MANE Select); coding-DNA position 1390, C replaced by T.
Protein change: p.Arg464Cys; replaces arginine 464 with cysteine.
Molecular consequence: missense variant.
Genome position (GRCh38, 1-based): chr4:153,295,916, C>T. VCF-style: chr4-153295916-C-T. GRCh37 (hg19) VCF-style: chr4-154217068-C-T.
Other names: c.1309C>T, p.Arg437Cys (NM_001130067.2, NM_001351056.2, NM_001375512.1 and 5 more transcripts); c.1363C>T, p.Arg455Cys (NM_001351054.2); c.1360C>T, p.Arg454Cys (NM_001351055.2); c.934C>T, p.Arg312Cys (NM_001351057.2); c.1483C>T, p.Arg495Cys (NM_001375488.1); c.1480C>T, p.Arg494Cys (NM_001375489.1); c.1333C>T, p.Arg445Cys (NM_001375490.1); c.1330C>T, p.Arg444Cys (NM_001375491.1); and 3 more; short protein forms R445C, R454C, R351C, R444C, R455C, R464C, R495C, R352C.
Identifiers: ClinVar variation 2164513 (VCV002164513.4), dbSNP rs1353685747, ClinGen allele CA358473610.